The following is an entry in ClinVar:

ClinVar aggregate classification (germline): Benign/Likely benign. Review status: criteria provided, multiple submitters, no conflicts (2 of 4 stars). 14 submissions from 14 submitters: Benign (7); Likely benign (4). 3 of the submissions do not count toward it. Last evaluated 2026-02-01.

Conditions:
Cardiovascular phenotype. Identifiers: MedGen CN230736.
Long QT syndrome (LQTS). Identifiers: MedGen C0023976, MeSH D008133, MONDO:0002442. Disease mechanism: loss of function. Inheritance: Various modes of inheritance.
Cardiac arrhythmia, ankyrin-B-related. Also called: ANKYRIN-B SYNDROME. Identifiers: Orphanet 101016, Orphanet 768, MedGen C1970119, MONDO:0010958, OMIM 600919.

Allele frequency attached by ClinVar (database versions not stated): gnomAD exomes 0.00062 and 0.00139; ExAC 0.00146; 1000 Genomes Project 0.00220; gnomAD 0.00260 and 0.00267; ESP Exome Variant Server 0.00261; 1000 Genomes Project 30x 0.00265; TOPMed 0.00304.
gnomAD v4.1: 1,324 of 1,614,048 alleles (0.082%); highest among the groups gnomAD compares: African/African-American, 0.83%; 11 homozygotes.

Submissions (14):

Labcorp Genetics (formerly Invitae), Labcorp
Classification: Benign for Long QT syndrome. Last evaluated: 2026-02-01. Review status: criteria provided, single submitter. Criteria: Invitae Variant Classification Sherloc (09022015). Collection method: clinical testing. Allele origin: germline.

Molecular Diagnostic Laboratory for Inherited Cardiovascular Disease, Montreal Heart Institute
Classification: Benign. Last evaluated: 2025-07-24. Review status: criteria provided, single submitter. Criteria: ACMG Guidelines, 2015. Collection method: clinical testing. Allele origin: germline. Affected: no.

Blueprint Genetics
Classification: Likely benign. Last evaluated: 2024-10-21. Review status: criteria provided, single submitter. Criteria: ACMG Guidelines, 2015. Collection method: clinical testing. Allele origin: germline.

CeGaT Center for Human Genetics Tuebingen
Classification: Likely benign. Last evaluated: 2024-09-01. Review status: criteria provided, single submitter. Criteria: CeGaT Center For Human Genetics Tuebingen Variant Classification Criteria Version 2. Collection method: clinical testing. Allele origin: germline. Affected: yes. Observed: 3 variant alleles.
Comment: ANK2: BP4, BP7

Genome-Nilou Lab
Classification: Benign for Cardiac arrhythmia, ankyrin-B-related. Last evaluated: 2021-12-05. Review status: criteria provided, single submitter. Criteria: ACMG Guidelines, 2015. Collection method: clinical testing. Allele origin: germline. Affected: no.

Mayo Clinic Laboratories, Mayo Clinic
Classification: Benign. Last evaluated: 2019-01-22. Review status: criteria provided, single submitter. Criteria: ACMG Guidelines, 2015. Collection method: clinical testing. Allele origin: germline. Observed: 6 variant alleles.

Illumina Laboratory Services, Illumina
Classification: Likely benign for Cardiac arrhythmia, ankyrin-B-related. Last evaluated: 2018-01-13. Review status: criteria provided, single submitter. Criteria: ICSL Variant Classification Criteria 13 December 2019. Collection method: clinical testing. Allele origin: germline.
Comment: This variant was observed in the ICSL laboratory as part of a predisposition screen in an ostensibly healthy population. It had not been previously curated by ICSL or reported in the Human Gene Mutation Database (HGMD: prior to June 1st, 2018), and was therefore a candidate for classification through an automated scoring system. Utilizing variant allele frequency, disease prevalence and penetrance estimates, and inheritance mode, an automated score was calculated to assess if this variant is too frequent to cause the disease. Based on the score and internal cut-off values, a variant classified as likely benign is not then subjected to further curation. The score for this variant resulted in a classification of likely benign for this disease.

ARUP Laboratories, Molecular Genetics and Genomics, ARUP Laboratories
Classification: Benign. Last evaluated: 2017-12-12. Review status: criteria provided, single submitter. Criteria: ARUP Molecular Germline Variant Investigation Process. Collection method: clinical testing. Allele origin: germline.

Ambry Genetics
Classification: Likely benign for Cardiovascular phenotype. Last evaluated: 2016-12-21. Review status: criteria provided, single submitter. Criteria: Ambry Variant Classification Scheme 2023. Collection method: clinical testing. Allele origin: germline.

Women's Health and Genetics/Laboratory Corporation of America, LabCorp
Classification: Benign. Last evaluated: 2016-04-04. Review status: criteria provided, single submitter. Criteria: LabCorp Variant Classification Summary - May 2015. Collection method: clinical testing. Allele origin: germline.
Comment: Variant summary: The ANK2 c.4152T>C variant affects a non-conserved nucleotide, resulting in no amino acid change. Although Mutation Taster predicts damaging outcome for this variant, 5/5 Alamut algorithms predict no change to splicing. This variant was found in 177/121352 control chromosomes at a frequency of 0.0014586, which is about 146 times the maximal expected allele frequency for a pathogenic ANK2 variant (0.00001), suggesting this variant is benign. The variant of interest has not, to our knowledge, been reported in affected individuals via publications and/or reputable databases/clinical laboratories; nor evaluated for functional impact by in vivo/vitro studies. Taken together, this variant was classified as benign.

GeneDx
Classification: Benign. Last evaluated: 2015-03-03. Review status: criteria provided, single submitter. Criteria: GeneDx Variant Classification Process June 2021. Collection method: clinical testing. Allele origin: germline. Affected: yes.

Clinical Genetics, Academic Medical Center
Classification: Benign. Review status: no assertion criteria provided. Collection method: clinical testing. Allele origin: germline. Affected: yes. Study: VKGL Data-share Consensus. Not counted in ClinVar's aggregate classification.

Genome Diagnostics Laboratory, University Medical Center Utrecht
Classification: Benign. Review status: no assertion criteria provided. Collection method: clinical testing. Allele origin: germline. Affected: yes. Study: VKGL Data-share Consensus. Not counted in ClinVar's aggregate classification.

Joint Genome Diagnostic Labs from Nijmegen and Maastricht, Radboudumc and MUMC+
Classification: Benign. Review status: no assertion criteria provided. Collection method: clinical testing. Allele origin: germline. Affected: yes. Study: VKGL Data-share Consensus. Not counted in ClinVar's aggregate classification.

NM_001148.6(ANK2):c.4152T>C (p.Asp1384=)

Gene: ANK2 (ankyrin 2; plus strand). Cytogenetic location: 4q26.
Variant type: single nucleotide variant.
Coding change: c.4152T>C on transcript NM_001148.6 (MANE Select); coding-DNA position 4152, T replaced by C.
Protein change: p.Asp1384=; no amino-acid change (aspartic acid 1384 retained).
Molecular consequence: synonymous variant.
Genome position (GRCh38, 1-based): chr4:113,343,046, T>C. VCF-style: chr4-113343046-T-C. GRCh37 (hg19) VCF-style: chr4-114264202-T-C.
Other names: p.Asp1384=; c.4125T>C, p.Asp1375= (NM_001127493.3); c.4164T>C, p.Asp1388= (NM_001354225.2); c.4053T>C, p.Asp1351= (NM_001354228.2, NM_001354258.2); c.4131T>C, p.Asp1377= (NM_001354230.2); c.4194T>C, p.Asp1398= (NM_001354231.2, NM_001354242.2); c.4188T>C, p.Asp1396= (NM_001354232.2); c.4149T>C, p.Asp1383= (NM_001354235.2, NM_001354246.2, NM_001354265.2); and 33 more.
Identifiers: ClinVar variation 238580 (VCV000238580.56), dbSNP rs116128106, ClinGen allele CA3051003.